The following is an entry in ClinVar:

ClinVar aggregate classification (germline): Conflicting classifications of pathogenicity. Review status: criteria provided, conflicting classifications (1 of 4 stars). 4 submissions from 4 submitters: Uncertain significance (3); Likely benign (1). Last evaluated 2026-04-09.

Conditions:
RP1-related disorder. Also called: RP1-related condition.
Inborn genetic diseases. Identifiers: MedGen C0950123, MeSH D030342.

Allele frequency attached by ClinVar (database versions not stated): gnomAD 0.00001 and 0.00058; ExAC 0.00002; gnomAD exomes 0.00002 and 0.00003; TOPMed 0.00070.

Submissions (4):

PreventionGenetics, part of Exact Sciences
Classification: Uncertain significance for RP1-related condition. Last evaluated: 2026-04-09. Review status: criteria provided, single submitter. Criteria: ACMG Guidelines, 2015. Collection method: clinical testing. Allele origin: germline.
Comment: The RP1 c.1334G>A variant is predicted to result in the amino acid substitution p.Arg445His. To our knowledge, this variant has not been reported in the literature. This variant is present in 0.0098% of alleles in individuals of South Asian descent in gnomAD. At this time, the clinical significance of this variant is uncertain due to the absence of conclusive functional and genetic evidence.

Labcorp Genetics (formerly Invitae), Labcorp
Classification: Uncertain significance. Last evaluated: 2025-09-18. Review status: criteria provided, single submitter. Criteria: Invitae Variant Classification Sherloc (09022015). Collection method: clinical testing. Allele origin: germline.
Comment: This sequence change replaces arginine, which is basic and polar, with histidine, which is basic and polar, at codon 445 of the RP1 protein (p.Arg445His). This variant is present in population databases (rs757110150, gnomAD 0.01%). This variant has not been reported in the literature in individuals affected with RP1-related conditions. ClinVar contains an entry for this variant (Variation ID: 1299116). An algorithm developed to predict the effect of missense changes on protein structure and function outputs the following: PolyPhen-2: "Benign". The histidine amino acid residue is found in multiple mammalian species, which suggests that this missense change does not adversely affect protein function. In summary, the available evidence is currently insufficient to determine the role of this variant in disease. Therefore, it has been classified as a Variant of Uncertain Significance.

Ambry Genetics
Classification: Likely benign for Inborn genetic diseases. Last evaluated: 2024-07-30. Review status: criteria provided, single submitter. Criteria: Ambry Variant Classification Scheme 2023. Collection method: clinical testing. Allele origin: germline.

CeGaT Center for Human Genetics Tuebingen
Classification: Uncertain significance. Last evaluated: 2021-07-01. Review status: criteria provided, single submitter. Criteria: CeGaT Center For Human Genetics Tuebingen Variant Classification Criteria Version 2. Collection method: clinical testing. Allele origin: germline. Affected: yes. Observed: 1 variant allele.

NM_006269.2(RP1):c.1334G>A (p.Arg445His)

Gene: RP1 (RP1 axonemal microtubule associated; plus strand). Cytogenetic location: 8q12.1.
Variant type: single nucleotide variant.
Coding change: c.1334G>A on transcript NM_006269.2 (MANE Select); coding-DNA position 1334, G replaced by A.
Protein change: p.Arg445His; replaces arginine 445 with histidine.
Molecular consequence: missense variant. On other transcripts: intron variant (1).
Genome position (GRCh38, 1-based): chr8:54,625,216, G>A. VCF-style: chr8-54625216-G-A. GRCh37 (hg19) VCF-style: chr8-55537776-G-A.
Other names: c.1334G>A (NM_006269.1); c.787+2928G>A (NM_001375654.1); short protein forms R445H.
Identifiers: ClinVar variation 1299116 (VCV001299116.42), dbSNP rs757110150, ClinGen allele CA4751359.
Genomic context (GRCh38, chr8:54,625,216, plus strand): 5'-GGGAGAATGCTACTGTGGACACAGATATCATCCAGGGAACTCAAGACCAAGCAAAGCATC[G>A]TTTTTATAGGCCCCCTACACCTGGACTAAGAAGAGTGAGACAAAAGAAATCTGTGATTGG-3'
Protein context (NP_006260.1, residues 435-455): IQGTQDQAKH[Arg445His]FYRPPTPGLR